The following is an entry in ClinVar:

NM_001386298.1(CIC):c.2499G>A (p.Glu833=)

Gene: CIC (capicua transcriptional repressor; plus strand). Cytogenetic location: 19q13.2.
Variant type: single nucleotide variant.
Coding change: c.2499G>A on transcript NM_001386298.1 (MANE Select); coding-DNA position 2499, G replaced by A.
Protein change: p.Glu833=; no amino-acid change (glutamic acid 833 retained).
Molecular consequence: synonymous variant.
Genome position (GRCh38, 1-based): chr19:42,274,282, G>A. VCF-style: chr19-42274282-G-A. GRCh37 (hg19) VCF-style: chr19-42778434-G-A.
Other names: c.2499G>A, p.Glu833= (NM_001304815.2, NM_001379480.1, NM_001379482.1).
Identifiers: ClinVar variation 3905455 (VCV003905455.10).
Genomic context (GRCh38, chr19:42,274,282, plus strand): 5'-CCGCAACCCTGATGTGCCACTGCCCTCCAAATTCCCTGGGGAGGTGGGCACTGCTGGTGA[G>A]GTGCGGGCTGGGGGACCTGGGCGGGGCTGCCGTGAAACCCCAGTGCCCCCTGGGGTGGCC-3'
Protein context (NP_001373227.1, residues 823-843): KFPGEVGTAG[Glu833=]VRAGGPGRGC

ClinVar aggregate classification (germline): Likely benign (1 of 4 stars; one submission).

gnomAD v4.1: 5 of 398,686 alleles (0.0013%); highest among the groups gnomAD compares: Non-Finnish European, 0.0022%; no homozygotes.

Submission:

CeGaT Center for Human Genetics Tuebingen
Classification: Likely benign. Last evaluated: 2025-06-01. Review status: criteria provided, single submitter. Criteria: CeGaT Center For Human Genetics Tuebingen Variant Classification Criteria Version 2. Collection method: clinical testing. Allele origin: germline. Affected: yes. Observed: 1 variant allele.
Comment: CIC: BP4, BP7